The following is an entry in ClinVar:

NM_001102401.4(TTI2):c.1076G>A (p.Arg359His)

Gene: TTI2 (TELO2 interacting protein 2; minus strand). Cytogenetic location: 8p12.
Variant type: single nucleotide variant.
Coding change: c.1076G>A on transcript NM_001102401.4 (MANE Select); coding-DNA position 1076, G replaced by A.
Protein change: p.Arg359His; replaces arginine 359 with histidine.
Molecular consequence: missense variant.
Genome position (GRCh38, 1-based): chr8:33,503,787, C>T on the plus strand (G>A on the coding strand, the complement: TTI2 is on the minus strand). VCF-style: chr8-33503787-C-T. GRCh37 (hg19) VCF-style: chr8-33361305-C-T.
Other names: c.1076G>A, p.Arg359His (NM_001265581.2, NM_025115.5); c.983G>A, p.Arg328His (NM_001330505.3); short protein forms R328H, R359H.
Identifiers: ClinVar variation 2230006 (VCV002230006.2), dbSNP rs769052273, ClinGen allele CA4707172.

ClinVar aggregate classification (germline): Uncertain significance (1 of 4 stars; one submission).

Conditions:
Inborn genetic diseases. Identifiers: MedGen C0950123, MeSH D030342.

Allele frequency attached by ClinVar (database versions not stated): TOPMed below 0.00001.
gnomAD v4.1: 36 of 1,613,994 alleles (0.0022%); highest among the groups gnomAD compares: Admixed American, 0.0033%; no homozygotes.

Submission:

Ambry Genetics
Classification: Uncertain significance for Inborn genetic diseases. Last evaluated: 2021-03-17. Review status: criteria provided, single submitter. Criteria: Ambry Variant Classification Scheme 2023. Collection method: clinical testing. Allele origin: germline.
Comment: The c.1076G>A (p.R359H) alteration is located in exon 4 (coding exon 4) of the TTI2 gene. This alteration results from a G to A substitution at nucleotide position 1076, causing the arginine (R) at amino acid position 359 to be replaced by a histidine (H). The in silico prediction for the p.R359H alteration is inconclusive. Based on insufficient or conflicting evidence, the clinical significance of this alteration remains unclear.